The following is an entry in ClinVar:

NM_001005361.3(DNM2):c.1378G>A (p.Val460Ile)

Gene: DNM2 (dynamin 2; plus strand). Cytogenetic location: 19p13.2.
Variant type: single nucleotide variant.
Coding change: c.1378G>A on transcript NM_001005361.3 (MANE Select); coding-DNA position 1378, G replaced by A.
Protein change: p.Val460Ile; replaces valine 460 with isoleucine.
Molecular consequence: missense variant.
Genome position (GRCh38, 1-based): chr19:10,798,528, G>A. VCF-style: chr19-10798528-G-A. GRCh37 (hg19) VCF-style: chr19-10909204-G-A.
Other names: c.1378G>A, p.Val460Ile (NM_001005360.3, NM_001005362.3, NM_001190716.2 and 1 more transcripts); short protein forms V460I.
Identifiers: ClinVar variation 855913 (VCV000855913.11), dbSNP rs143992936, ClinGen allele CA305283328.
Genomic context (GRCh38, chr19:10,798,528, plus strand): 5'-CTCTGCTTGTTCCCCCAGCTCAGTTCCTACCCCCGGTTGCGAGAGGAGACAGAGCGAATC[G>A]TCACCACTTACATCCGGGAACGGGAGGGGAGAACGAAGGACCAGGTACTGGCCTTTTGTC-3'
Protein context (NP_001005361.1, residues 450-470): PRLREETERI[Val460Ile]TTYIREREGR

ClinVar aggregate classification (germline): Uncertain significance. Review status: criteria provided, multiple submitters, no conflicts (2 of 4 stars). 2 submissions from 2 submitters: Uncertain significance (2). Last evaluated 2023-11-27.

Conditions:
Inborn genetic diseases. Identifiers: MedGen C0950123, MeSH D030342.
Charcot-Marie-Tooth disease dominant intermediate B (CMTDIB). Also called: CHARCOT-MARIE-TOOTH NEUROPATHY, DOMINANT INTERMEDIATE B; Charcot-Marie-Tooth disease dominant intermediate 1; CMT DI1; Charcot-Marie-Tooth disease dominant intermediate I. Identifiers: Orphanet 100044, Orphanet 228179, MedGen C1847902, MONDO:0011674, OMIM 606482.

Allele frequency attached by ClinVar (database versions not stated): gnomAD exomes below 0.00001 and 0.00001; TOPMed 0.00002; gnomAD 0.00003; ESP Exome Variant Server 0.00008.
gnomAD v4.1: 6 of 1,614,008 alleles (0.00037%); highest among the groups gnomAD compares: African/African-American, 0.004%; no homozygotes.

Submissions (2):

Labcorp Genetics (formerly Invitae), Labcorp
Classification: Uncertain significance for Charcot-Marie-Tooth disease dominant intermediate B. Last evaluated: 2023-11-27. Review status: criteria provided, single submitter. Criteria: Invitae Variant Classification Sherloc (09022015). Collection method: clinical testing. Allele origin: germline.
Comment: This sequence change replaces valine, which is neutral and non-polar, with isoleucine, which is neutral and non-polar, at codon 460 of the DNM2 protein (p.Val460Ile). This variant is present in population databases (rs143992936, gnomAD 0.004%). This variant has not been reported in the literature in individuals affected with DNM2-related conditions. ClinVar contains an entry for this variant (Variation ID: 855913). Advanced modeling of protein sequence and biophysical properties (such as structural, functional, and spatial information, amino acid conservation, physicochemical variation, residue mobility, and thermodynamic stability) has been performed at Invitae for this missense variant, however the output from this modeling did not meet the statistical confidence thresholds required to predict the impact of this variant on DNM2 protein function. In summary, the available evidence is currently insufficient to determine the role of this variant in disease. Therefore, it has been classified as a Variant of Uncertain Significance.

Ambry Genetics
Classification: Uncertain significance for Inborn genetic diseases. Last evaluated: 2021-07-14. Review status: criteria provided, single submitter. Criteria: Ambry Variant Classification Scheme 2023. Collection method: clinical testing. Allele origin: germline.
Comment: The p.V460I variant (also known as c.1378G>A), located in coding exon 11 of the DNM2 gene, results from a G to A substitution at nucleotide position 1378. The valine at codon 460 is replaced by isoleucine, an amino acid with highly similar properties. This amino acid position is conserved. In addition, this alteration is predicted to be tolerated by in silico analysis. Since supporting evidence is limited at this time, the clinical significance of this alteration remains unclear.